The following is an entry in ClinVar:

NM_016628.5(WAC):c.96G>A (p.Ser32=)

Gene: WAC (WW domain containing adaptor with coiled-coil; plus strand). Cytogenetic location: 10p12.1.
Variant type: single nucleotide variant.
Coding change: c.96G>A on transcript NM_016628.5 (MANE Select); coding-DNA position 96, G replaced by A.
Protein change: p.Ser32=; no amino-acid change (serine 32 retained).
Molecular consequence: synonymous variant. On other transcripts: 5 prime UTR variant (1).
Genome position (GRCh38, 1-based): chr10:28,535,579, G>A. VCF-style: chr10-28535579-G-A. GRCh37 (hg19) VCF-style: chr10-28824508-G-A.
Other names: c.-40G>A (NM_100264.3); c.96G>A, p.Ser32= (NM_100486.4).
Identifiers: ClinVar variation 3035983 (VCV003035983.2), dbSNP rs201074071, ClinGen allele CA5454691.

ClinVar aggregate classification (germline): Likely benign (0 of 4 stars; one submission).

Conditions:
WAC-related disorder. Also called: WAC-related condition.

Allele frequency attached by ClinVar (database versions not stated): ExAC 0.00004; gnomAD 0.00006; TOPMed 0.00007; gnomAD exomes 0.00011.
gnomAD v4.1: 163 of 1,609,400 alleles (0.01%); highest among the groups gnomAD compares: Non-Finnish European, 0.013%; no homozygotes.

Submission:

PreventionGenetics, part of Exact Sciences
Classification: Likely benign for WAC-related condition. Last evaluated: 2022-01-18. Review status: no assertion criteria provided. Collection method: clinical testing. Allele origin: germline.
Comment: This variant is classified as likely benign based on ACMG/AMP sequence variant interpretation guidelines (Richards et al. 2015 PMID: 25741868, with internal and published modifications).